The following is an entry in ClinVar:

ClinVar aggregate classification (germline): Pathogenic. Review status: criteria provided, multiple submitters, no conflicts (2 of 4 stars). 2 submissions from 2 submitters: Pathogenic (2). Last evaluated 2023-06-08.

Conditions:
Poirier-Bienvenu neurodevelopmental syndrome (POBINDS). Identifiers: Orphanet 689397, MedGen C5231482, MONDO:0032889, OMIM 618732.

Submissions (2):

GeneDx
Classification: Pathogenic. Last evaluated: 2023-06-08. Review status: criteria provided, single submitter. Criteria: GeneDx Variant Classification Process June 2021. Collection method: clinical testing. Allele origin: germline. Affected: yes.
Comment: Nonsense variant predicted to result in protein truncation or nonsense mediated decay in a gene for which loss-of-function is a known mechanism of disease; Not observed at significant frequency in large population cohorts (gnomAD); Has not been previously published as pathogenic or benign to our knowledge

Juno Genomics, Hangzhou Juno Genomics, Inc
Classification: Pathogenic for Poirier-Bienvenu neurodevelopmental syndrome. Review status: criteria provided, single submitter. Criteria: ACMG Guidelines, 2015. Collection method: clinical testing. Allele origin: germline. Affected: yes.
Comment: Absent from controls (or at extremely low frequency if recessive) in Genome Aggregation Database, Exome Sequencing Project, 1000 Genomes Project, or Exome Aggregation Consortium.;Null variant in a gene where loss of function (LOF) is a known mechanism of disease.;Assumed de novo, but without confirmation of paternity and maternity.

NM_001320.7(CSNK2B):c.307C>T (p.Gln103Ter)

Gene: CSNK2B (casein kinase 2 beta; plus strand). Cytogenetic location: 6p21.33.
Variant type: single nucleotide variant.
Coding change: c.307C>T on transcript NM_001320.7 (MANE Select); coding-DNA position 307, C replaced by T.
Protein change: p.Gln103Ter; replaces glutamine 103 with a stop codon.
Molecular consequence: nonsense.
Genome position (GRCh38, 1-based): chr6:31,669,112, C>T. VCF-style: chr6-31669112-C-T. GRCh37 (hg19) VCF-style: chr6-31636889-C-T.
Other names: c.307C>T, p.Gln103Ter (NM_001282385.2); short protein forms Q103*.
Identifiers: ClinVar variation 2504917 (VCV002504917.3), dbSNP rs2536966052, ClinGen allele CA363474563.
Genomic context (GRCh38, chr6:31,669,112, plus strand): 5'-TTCTTTACATCTACCTGCCAACCCCTTCCATTGTATTCACCTCAGTTGGAAAAGTACCAG[C>T]AAGGAGACTTTGGTTACTGTCCTCGTGTGTACTGTGAGAACCAGCCAATGCTTCCCATTG-3'